The following is an entry in ClinVar:

NM_000268.4(NF2):c.280T>C (p.Phe94Leu)

Gene: NF2 (NF2, moesin-ezrin-radixin like (MERLIN) tumor suppressor; plus strand). Cytogenetic location: 22q12.2.
Variant type: single nucleotide variant.
Coding change: c.280T>C on transcript NM_000268.4 (MANE Select); coding-DNA position 280, T replaced by C.
Protein change: p.Phe94Leu; replaces phenylalanine 94 with leucine.
Molecular consequence: missense variant. On other transcripts: 5 prime UTR variant (1), intron variant (8).
Genome position (GRCh38, 1-based): chr22:29,639,129, T>C. VCF-style: chr22-29639129-T-C. GRCh37 (hg19) VCF-style: chr22-30035118-T-C.
Other names: c.166T>C, p.Phe56Leu (NM_001407053.1, NM_001407056.1); c.154T>C, p.Phe52Leu (NM_001407055.1, NM_181828.3); c.280T>C, p.Phe94Leu (NM_001407057.1, NM_001407059.1, NM_001407060.1 and 5 more transcripts); c.-361T>C (NM_001407065.1); c.49T>C, p.Phe17Leu (NM_001407067.1); c.240+2253T>C (NM_001407058.1, NM_181829.3, NM_001407054.1 and 1 more transcripts); c.115-3073T>C (NM_001407063.1, NM_181830.3, NM_001407064.1 and 1 more transcripts); short protein forms F52L, F56L, F17L, F94L.
Identifiers: ClinVar variation 4825433 (VCV004825433.1).

ClinVar aggregate classification (germline): Uncertain significance (1 of 4 stars; one submission).

Conditions:
Hereditary cancer-predisposing syndrome. Also called: Neoplastic Syndromes, Hereditary; Tumor predisposition; Hereditary Cancer Syndrome; Hereditary neoplastic syndrome. Identifiers: Orphanet 140162, MedGen C0027672, MeSH D009386, MONDO:0015356.

Submission:

Ambry Genetics
Classification: Uncertain significance for Hereditary cancer-predisposing syndrome. Last evaluated: 2026-02-13. Review status: criteria provided, single submitter. Criteria: Ambry Variant Classification Scheme 2023. Collection method: clinical testing. Allele origin: germline.
Comment: The p.F94L variant (also known as c.280T>C), located in coding exon 3 of the NF2 gene, results from a T to C substitution at nucleotide position 280. The phenylalanine at codon 94 is replaced by leucine, an amino acid with highly similar properties. This amino acid position is conserved. In addition, the in silico prediction for this alteration is inconclusive. Based on the available evidence, the clinical significance of this variant remains unclear.